The following is an entry in ClinVar:

NM_018676.4(THSD1):c.1530C>T (p.Ala510=)

Gene: THSD1 (thrombospondin type 1 domain containing 1; minus strand). Cytogenetic location: 13q14.3.
Variant type: single nucleotide variant.
Coding change: c.1530C>T on transcript NM_018676.4 (MANE Select); coding-DNA position 1530, C replaced by T.
Protein change: p.Ala510=; no amino-acid change (alanine 510 retained).
Molecular consequence: synonymous variant.
Genome position (GRCh38, 1-based): chr13:52,378,440, G>A on the plus strand (C>T on the coding strand, the complement: THSD1 is on the minus strand). VCF-style: chr13-52378440-G-A. GRCh37 (hg19) VCF-style: chr13-52952575-G-A.
Other names: c.1371C>T, p.Ala457= (NM_199263.3).
Identifiers: ClinVar variation 3037810 (VCV003037810.2), dbSNP rs9536042, ClinGen allele CA6991974.

ClinVar aggregate classification (germline): Likely benign (0 of 4 stars; one submission).

Conditions:
THSD1-related disorder. Also called: THSD1-related condition.

Allele frequency attached by ClinVar (database versions not stated): gnomAD exomes 0.05104; ExAC 0.05479; 1000 Genomes Project 0.07069; 1000 Genomes Project 30x 0.07183; gnomAD 0.07281; TOPMed 0.07374; ESP Exome Variant Server 0.07819.
gnomAD v4.1: 85,943 of 1,614,110 alleles (5.3%); highest among the groups gnomAD compares: African/African-American, 14%; 2,818 homozygotes.

Submission:

PreventionGenetics, part of Exact Sciences
Classification: Likely benign for THSD1-related condition. Last evaluated: 2024-07-23. Review status: no assertion criteria provided. Collection method: clinical testing. Allele origin: germline.
Comment: This variant is classified as likely benign based on ACMG/AMP sequence variant interpretation guidelines (Richards et al. 2015 PMID: 25741868, with internal and published modifications).